The following is an entry in ClinVar:

NM_145239.3(PRRT2):c.514_517del (p.Ser172fs)

Genes: MVP-DT (MVP divergent transcript; minus strand), PRRT2 (proline rich transmembrane protein 2; plus strand). Cytogenetic location: 16p11.2.
Variant type: Microsatellite.
Coding change: c.514_517del on transcript NM_145239.3 (MANE Select); coding-DNA positions 514 to 517, 4 bases deleted (TCTG; older notation c.514_517delTCTG).
Protein change: p.Ser172fs; shifts the reading frame from serine 172.
Molecular consequence: frameshift variant.
Genome position (GRCh38, 1-based): chr16:29,813,568-29,813,571, TCTG deleted; deleting any 4 consecutive bases within chr16:29,813,564-29,813,571 gives the same sequence; the c. name uses the placement nearest the transcript's 3' end. VCF-style (leftmost placement, unchanged base first): chr16-29813563-TTCTG-T. GRCh37 (hg19) VCF-style: chr16-29824884-TTCTG-T.
Other names: c.514_517del, p.Ser172fs (NM_001256442.2, NM_001256443.2); short protein forms S172fs.
Identifiers: ClinVar variation 31169 (VCV000031169.10), dbSNP rs730882065, ClinGen allele CA259997.

ClinVar aggregate classification (germline): Pathogenic. Review status: criteria provided, multiple submitters, no conflicts (2 of 4 stars). 4 submissions from 4 submitters: Pathogenic (3). 1 of the submissions does not count toward it. Last evaluated 2026-08-01.

Conditions:
Episodic kinesigenic dyskinesia (EKD). Also called: Paroxysmal kinesigenic dyskinesia. Identifiers: Orphanet 98809, MedGen C1868682, MONDO:0044202.
Episodic kinesigenic dyskinesia 1 (EKD1). Also called: PRRT2-Related Paroxysmal Kinesigenic Dyskinesia (PKD); PxMD-PRRT2; Dystonia 10; DYSTONIA, FAMILIAL PAROXYSMAL; PAROXYSMAL KINESIGENIC CHOREOATHETOSIS. Identifiers: Orphanet 98809, MedGen C4552000, MONDO:0100352, OMIM 128200, MONDO:0007494.

Submissions (4):

CeGaT Center for Human Genetics Tuebingen
Classification: Pathogenic. Last evaluated: 2026-08-01. Review status: criteria provided, single submitter. Criteria: CeGaT Center For Human Genetics Tuebingen Variant Classification Criteria Version 2. Collection method: clinical testing. Allele origin: germline. Affected: yes. Observed: 1 variant allele.
Comment: PRRT2: PVS1, PM2, PS4:Moderate

Labcorp Genetics (formerly Invitae), Labcorp
Classification: Pathogenic for Episodic kinesigenic dyskinesia. Last evaluated: 2025-06-15. Review status: criteria provided, single submitter. Criteria: Invitae Variant Classification Sherloc (09022015). Collection method: clinical testing. Allele origin: germline.
Comment: This sequence change creates a premature translational stop signal (p.Ser172Argfs*3) in the PRRT2 gene. It is expected to result in an absent or disrupted protein product. Loss-of-function variants in PRRT2 are known to be pathogenic (PMID: 22623405, 22744660). This variant is not present in population databases (gnomAD no frequency). This premature translational stop signal has been observed in individual(s) with paroxysmal kinesigenic dyskinesia (PMID: 22101681). ClinVar contains an entry for this variant (Variation ID: 31169). For these reasons, this variant has been classified as Pathogenic.

GeneDx
Classification: Pathogenic. Last evaluated: 2024-07-09. Review status: criteria provided, single submitter. Criteria: GeneDx Variant Classification Process June 2021. Collection method: clinical testing. Allele origin: germline. Affected: yes.
Comment: Frameshift variant predicted to result in protein truncation or nonsense mediated decay in a gene for which loss of function is a known mechanism of disease; Not observed at significant frequency in large population cohorts (gnomAD); This variant is associated with the following publications: (PMID: 33791013, 25449067, 25502464, 26598493, 23535490, 22877996, 23299620, 24370076, 30392205, 22101681)

OMIM
Classification: Pathogenic for EPISODIC KINESIGENIC DYSKINESIA 1. Last evaluated: 2011-11-20. Review status: no assertion criteria provided. Collection method: literature only. Allele origin: germline. Not counted in ClinVar's aggregate classification.

Literature cited by the submitters: PubMed 22623405 (cited by Labcorp Genetics (formerly Invitae), Labcorp); PubMed 22744660 (cited by Labcorp Genetics (formerly Invitae), Labcorp); PubMed 22101681 (cited by Labcorp Genetics (formerly Invitae), Labcorp and OMIM).